The following is an entry in ClinVar:

ClinVar aggregate classification (germline): Uncertain significance (1 of 4 stars; one submission).

Submission:

GeneDx
Classification: Uncertain significance. Last evaluated: 2023-03-17. Review status: criteria provided, single submitter. Criteria: GeneDx Variant Classification Process June 2021. Collection method: clinical testing. Allele origin: germline. Affected: yes.
Comment: Not observed at significant frequency in large population cohorts (gnomAD); In silico analysis supports that this missense variant does not alter protein structure/function; Has not been previously published as pathogenic or benign to our knowledge.

NM_030632.3(ASXL3):c.380A>G (p.Glu127Gly)

Gene: ASXL3 (ASXL transcriptional regulator 3; plus strand). Cytogenetic location: 18q12.1.
Variant type: single nucleotide variant.
Coding change: c.380A>G on transcript NM_030632.3 (MANE Select); coding-DNA position 380, A replaced by G.
Protein change: p.Glu127Gly; replaces glutamic acid 127 with glycine.
Molecular consequence: missense variant.
Genome position (GRCh38, 1-based): chr18:33,661,640, A>G. VCF-style: chr18-33661640-A-G. GRCh37 (hg19) VCF-style: chr18-31241604-A-G.
Other names: short protein forms E127G.
Identifiers: ClinVar variation 2579908 (VCV002579908.1), dbSNP rs2510921118, ClinGen allele CA402166076.